The following is an entry in ClinVar:

ClinVar aggregate classification (germline): Pathogenic (1 of 4 stars; one submission).

Allele frequency attached by ClinVar (database versions not stated): gnomAD exomes below 0.00001.
gnomAD v4.1: 1 of 1,613,942 alleles (0.000062%); highest among the groups gnomAD compares: Admixed American, 0.0017%; no homozygotes.

Submission:

Labcorp Genetics (formerly Invitae), Labcorp
Classification: Pathogenic. Last evaluated: 2024-11-30. Review status: criteria provided, single submitter. Criteria: Invitae Variant Classification Sherloc (09022015). Collection method: clinical testing. Allele origin: germline.
Comment: This sequence change creates a premature translational stop signal (p.Cys523*) in the ST14 gene. It is expected to result in an absent or disrupted protein product. Loss-of-function variants in ST14 are known to be pathogenic (PMID: 18843291, 25308318). This variant is not present in population databases (gnomAD no frequency). This variant has not been reported in the literature in individuals affected with ST14-related conditions. ClinVar contains an entry for this variant (Variation ID: 1934660). For these reasons, this variant has been classified as Pathogenic.

Literature cited by the submitters: PubMed 18843291; PubMed 25308318.

NM_021978.4(ST14):c.1569C>A (p.Cys523Ter)

Gene: ST14 (ST14 transmembrane serine protease matriptase; plus strand). Cytogenetic location: 11q24.3.
Variant type: single nucleotide variant.
Coding change: c.1569C>A on transcript NM_021978.4 (MANE Select); coding-DNA position 1569, C replaced by A.
Protein change: p.Cys523Ter; replaces cysteine 523 with a stop codon.
Molecular consequence: nonsense.
Genome position (GRCh38, 1-based): chr11:130,198,417, C>A. VCF-style: chr11-130198417-C-A. GRCh37 (hg19) VCF-style: chr11-130068312-C-A.
Other names: short protein forms C523*.
Identifiers: ClinVar variation 1934660 (VCV001934660.5), dbSNP rs2540758398, ClinGen allele CA383316987.